The following is an entry in ClinVar:

ClinVar aggregate classification (germline): Uncertain significance (1 of 4 stars; one submission).

gnomAD v4.1: 2 of 1,614,076 alleles (0.00012%); highest among the groups gnomAD compares: Non-Finnish European, 0.00017%; no homozygotes.

Submission:

Mayo Clinic Laboratories, Mayo Clinic
Classification: Uncertain significance. Last evaluated: 2024-03-06. Review status: criteria provided, single submitter. Criteria: ACMG Guidelines, 2015. Collection method: clinical testing. Allele origin: germline. Observed: 1 variant allele.
Comment: PM2

NM_014687.4(RUBCN):c.1042A>C (p.Ser348Arg)

Gene: RUBCN (rubicon autophagy regulator; minus strand). Cytogenetic location: 3q29.
Variant type: single nucleotide variant.
Coding change: c.1042A>C on transcript NM_014687.4 (MANE Select); coding-DNA position 1042, A replaced by C.
Protein change: p.Ser348Arg; replaces serine 348 with arginine.
Molecular consequence: missense variant.
Genome position (GRCh38, 1-based): chr3:197,700,832, T>G on the plus strand (A>C on the coding strand, the complement: RUBCN is on the minus strand). VCF-style: chr3-197700832-T-G. GRCh37 (hg19) VCF-style: chr3-197427703-T-G.
Other names: p.Ser288Arg; c.862A>C, p.Ser288Arg (NM_001145642.5); c.1042A>C, p.Ser348Arg (NM_001346873.2); short protein forms S288R, S348R.
Identifiers: ClinVar variation 3379531 (VCV003379531.1).
Genomic context (GRCh38, chr3:197,700,832, plus strand): 5'-AAGAGGCAGCAGAATCTGGCTTCTGGGAGCTGCTGGAGGAGAACAAATTGGAACTGCTGC[T>G]CTCGGCATTGCTGCTGTGACTCTGACAGCTGGCAGTCCGGCCTCGGGGGTCCAAGTTGCC-3'
Protein context (NP_055502.1, residues 338-358): SCQSHSSNAE[Ser348Arg]SSSNLFSSSS